The following is an entry in ClinVar:

ClinVar aggregate classification (germline): Uncertain significance (1 of 4 stars; one submission).

gnomAD v4.1: 4 of 1,562,752 alleles (0.00026%); highest among the groups gnomAD compares: Non-Finnish European, 0.00026%; no homozygotes.

Submission:

Ambry Genetics
Classification: Uncertain significance. Last evaluated: 2025-05-02. Review status: criteria provided, single submitter. Criteria: Ambry Variant Classification Scheme 2023. Collection method: clinical testing. Allele origin: germline.
Comment: The p.G2037V variant (also known as c.6110G>T), located in coding exon 24 of the WNK2 gene, results from a G to T substitution at nucleotide position 6110. The glycine at codon 2037 is replaced by valine, an amino acid with dissimilar properties. This amino acid position is conserved. In addition, this alteration is predicted to be deleterious by in silico analysis. Based on the available evidence, the clinical significance of this variant remains unclear.

NM_006648.4(WNK2):c.6110G>T (p.Gly2037Val)

Gene: WNK2 (WNK lysine deficient protein kinase 2; plus strand). Cytogenetic location: 9q22.31.
Variant type: single nucleotide variant.
Coding change: c.6110G>T on transcript NM_006648.4 (MANE Select); coding-DNA position 6110, G replaced by T.
Protein change: p.Gly2037Val; replaces glycine 2037 with valine.
Molecular consequence: missense variant.
Genome position (GRCh38, 1-based): chr9:93,299,256, G>T. VCF-style: chr9-93299256-G-T. GRCh37 (hg19) VCF-style: chr9-96061538-G-T.
Other names: c.6221G>T, p.Gly2074Val (NM_001282394.3); short protein forms G2074V, G2037V.
Identifiers: ClinVar variation 3981970 (VCV003981970.1).
Genomic context (GRCh38, chr9:93,299,256, plus strand): 5'-GGGCCTCCCTGTCTTCGGACATCTGCTCCGGCTTAGCCAGTGATGGAGGCGGAGCGCGTG[G>T]CCAAGGTGATTTCCAGCTTGCCTGTCTCCGAGCATGTGCTAGCCACGTAGGGCCTCAGTG-3'
Protein context (NP_006639.3, residues 2027-2047): GLASDGGGAR[Gly2037Val]QGWTVYHPTS